The following is an entry in ClinVar:

NM_177972.3(TUB):c.1511C>T (p.Ala504Val)

Genes: RIC3 (RIC3 acetylcholine receptor chaperone; minus strand), TUB (TUB bipartite transcription factor; plus strand). Cytogenetic location: 11p15.4.
Variant type: single nucleotide variant.
Coding change: c.1511C>T on transcript NM_177972.3 (MANE Select); coding-DNA position 1511, C replaced by T.
Protein change: p.Ala504Val; replaces alanine 504 with valine.
Molecular consequence: missense variant.
Genome position (GRCh38, 1-based): chr11:8,101,609, C>T. VCF-style: chr11-8101609-C-T. GRCh37 (hg19) VCF-style: chr11-8123156-C-T.
Other names: c.1676C>T, p.Ala559Val (NM_003320.5); short protein forms A504V, A559V.
Identifiers: ClinVar variation 1010726 (VCV001010726.7), dbSNP rs201497942, ClinGen allele CA217430591.

ClinVar aggregate classification (germline): Uncertain significance. Review status: criteria provided, multiple submitters, no conflicts (2 of 4 stars). 2 submissions from 2 submitters: Uncertain significance (2). Last evaluated 2022-03-03.

Allele frequency attached by ClinVar (database versions not stated): gnomAD 0.00001; gnomAD exomes 0.00001; TOPMed 0.00001.
gnomAD v4.1: 15 of 1,614,086 alleles (0.00093%); highest among the groups gnomAD compares: African/African-American, 0.0027%; no homozygotes.

Submissions (2):

Labcorp Genetics (formerly Invitae), Labcorp
Classification: Uncertain significance. Last evaluated: 2022-03-03. Review status: criteria provided, single submitter. Criteria: Invitae Variant Classification Sherloc (09022015). Collection method: clinical testing. Allele origin: germline.
Comment: This variant is present in population databases (rs201497942, gnomAD 0.003%). In summary, the available evidence is currently insufficient to determine the role of this variant in disease. Therefore, it has been classified as a Variant of Uncertain Significance. Algorithms developed to predict the effect of sequence changes on RNA splicing suggest that this variant may create or strengthen a splice site. Algorithms developed to predict the effect of missense changes on protein structure and function (SIFT, PolyPhen-2, Align-GVGD) all suggest that this variant is likely to be disruptive. ClinVar contains an entry for this variant (Variation ID: 1010726). This variant has not been reported in the literature in individuals affected with TUB-related conditions. This sequence change replaces alanine, which is neutral and non-polar, with valine, which is neutral and non-polar, at codon 559 of the TUB protein (p.Ala559Val).

Blueprint Genetics
Classification: Uncertain significance. Last evaluated: 2019-07-29. Review status: criteria provided, single submitter. Criteria: ACMG Guidelines, 2015. Collection method: clinical testing. Allele origin: germline.